The following is an entry in ClinVar:

ClinVar aggregate classification (germline): Uncertain significance. Review status: criteria provided, multiple submitters, no conflicts (2 of 4 stars). 2 submissions from 2 submitters: Uncertain significance (2). Last evaluated 2026-09-05.

Conditions:
HNRNPH1-related disorder. Also called: HNRNPH1-related condition.
Neurodevelopmental disorder with craniofacial dysmorphism and skeletal defects (NEDCDS). Identifiers: Orphanet 662207, MedGen C5774235, MONDO:0859301, OMIM 620083.

Allele frequency attached by ClinVar (database versions not stated): gnomAD exomes below 0.00001; gnomAD 0.00001.
gnomAD v4.1: 4 of 1,614,050 alleles (0.00025%); highest among the groups gnomAD compares: Admixed American, 0.0017%; no homozygotes.

Submissions (2):

PreventionGenetics, part of Exact Sciences
Classification: Uncertain significance for HNRNPH1-related condition. Last evaluated: 2026-09-05. Review status: criteria provided, single submitter. Criteria: ACMG Guidelines, 2015. Collection method: clinical testing. Allele origin: germline.
Comment: The HNRNPH1 c.668G>T variant is predicted to result in the amino acid substitution p.Gly223Val. To our knowledge, this variant has not been reported in the literature or in a large population database (gnomAD), indicating this variant is rare. At this time, the clinical significance of this variant is uncertain due to the absence of conclusive functional and genetic evidence.

Revvity Omics, Revvity
Classification: Uncertain significance for Neurodevelopmental disorder with craniofacial dysmorphism and skeletal defects. Last evaluated: 2024-07-19. Review status: criteria provided, single submitter. Criteria: ACMG Guidelines, 2015. Collection method: clinical testing. Allele origin: germline.

NM_001257293.2(HNRNPH1):c.668G>T (p.Gly223Val)

Genes: HNRNPH1 (heterogeneous nuclear ribonucleoprotein H1; minus strand), LOC128966623 (uncharacterized LOC128966623; plus strand). Cytogenetic location: 5q35.3.
Variant type: single nucleotide variant.
Coding change: c.668G>T on transcript NM_001257293.2 (MANE Select); coding-DNA position 668, G replaced by T.
Protein change: p.Gly223Val; replaces glycine 223 with valine.
Molecular consequence: missense variant. On other transcripts: intron variant (3).
Genome position (GRCh38, 1-based): chr5:179,618,192, C>A on the plus strand (G>T on the coding strand, the complement: HNRNPH1 is on the minus strand). VCF-style: chr5-179618192-C-A. GRCh37 (hg19) VCF-style: chr5-179045193-C-A.
Other names: c.668G>T, p.Gly223Val (NM_001363572.2, NM_001364225.2, NM_001364226.2 and 36 more transcripts); c.512G>T, p.Gly171Val (NM_001364250.2); c.65G>T, p.Gly22Val (NM_001364251.2, NM_001364252.2, NM_001364253.2 and 4 more transcripts); c.437G>T, p.Gly146Val (NM_001395190.1); c.398-281G>T (NM_001395193.1); c.398-132G>T (NM_001395191.1, NM_001395192.1); c.668G>T (NM_001364226.1); short protein forms G146V, G171V, G223V, G22V.
Identifiers: ClinVar variation 2432514 (VCV002432514.4), dbSNP rs1770700791, ClinGen allele CA362438298.
Genomic context (GRCh38, chr5:179,618,192, plus strand): 5'-AATCCTCACGTACCTCCACCATAAGCACCACGCCTCATCCTCTCAAAGCCAGCTCCTCTG[C>A]CAATGCTGTTATACCCTCTACCAGCCCCAGGTCTGTCATAAGGACCTGGCCGCTGCATGG-3'
Protein context (NP_001244222.1, residues 213-233): PGAGRGYNSI[Gly223Val]RGAGFERMRR